The following is an entry in ClinVar:

NM_000452.3(SLC10A2):c.494T>C (p.Ile165Thr)

Gene: SLC10A2 (solute carrier family 10 member 2; minus strand). Cytogenetic location: 13q33.1.
Variant type: single nucleotide variant.
Coding change: c.494T>C on transcript NM_000452.3 (MANE Select); coding-DNA position 494, T replaced by C.
Protein change: p.Ile165Thr; replaces isoleucine 165 with threonine.
Molecular consequence: missense variant.
Genome position (GRCh38, 1-based): chr13:103,058,266, A>G on the plus strand (T>C on the coding strand, the complement: SLC10A2 is on the minus strand). VCF-style: chr13-103058266-A-G. GRCh37 (hg19) VCF-style: chr13-103710616-A-G.
Other names: short protein forms I165T.
Identifiers: ClinVar variation 4719200 (VCV004719200.1).
Genomic context (GRCh38, chr13:103,058,266, plus strand): 5'-GGGGGTAAGCAGAGAGTTTGAGGGTAACAGTCAACAGTCTTACAGATGGATGACTTACCT[A>G]TGTTATCATAGGGAATTACGATGCTCCCAGAGTCGACCCACATTTTGGTATAGATAAGGA-3'
Protein context (NP_000443.2, residues 155-175): SGSIVIPYDN[Ile165Thr]GTSLVSLVVP

ClinVar aggregate classification (germline): Uncertain significance (1 of 4 stars; one submission).

gnomAD v4.1: 1 of 1,542,242 alleles (0.000065%); no homozygotes.

Submission:

Labcorp Genetics (formerly Invitae), Labcorp
Classification: Uncertain significance. Last evaluated: 2025-05-07. Review status: criteria provided, single submitter. Criteria: Invitae Variant Classification Sherloc (09022015). Collection method: clinical testing. Allele origin: germline.
Comment: This sequence change replaces isoleucine, which is neutral and non-polar, with threonine, which is neutral and polar, at codon 165 of the SLC10A2 protein (p.Ile165Thr). This variant is present in population databases (no rsID available, gnomAD no frequency). This variant has not been reported in the literature in individuals affected with SLC10A2-related conditions. An algorithm developed to predict the effect of missense changes on protein structure and function (PolyPhen-2) suggests that this variant is likely to be disruptive. In summary, the available evidence is currently insufficient to determine the role of this variant in disease. Therefore, it has been classified as a Variant of Uncertain Significance.